The following is an entry in ClinVar:

NM_000186.4(CFH):c.1897C>T (p.Pro633Ser)

Gene: CFH (complement factor H; plus strand). Cytogenetic location: 1q31.3.
Variant type: single nucleotide variant.
Coding change: c.1897C>T on transcript NM_000186.4 (MANE Select); coding-DNA position 1897, C replaced by T.
Protein change: p.Pro633Ser; replaces proline 633 with serine.
Molecular consequence: missense variant.
Genome position (GRCh38, 1-based): chr1:196,726,493, C>T. VCF-style: chr1-196726493-C-T. GRCh37 (hg19) VCF-style: chr1-196695623-C-T.
Other names: short protein forms P633S.
Identifiers: ClinVar variation 2419522 (VCV002419522.6), dbSNP rs765420546, ClinGen allele CA1305524.

ClinVar aggregate classification (germline): Uncertain significance (1 of 4 stars; one submission).

Allele frequency attached by ClinVar (database versions not stated): gnomAD exomes below 0.00001; ExAC 0.00001.

Submission:

Labcorp Genetics (formerly Invitae), Labcorp
Classification: Uncertain significance. Last evaluated: 2022-05-03. Review status: criteria provided, single submitter. Criteria: Invitae Variant Classification Sherloc (09022015). Collection method: clinical testing. Allele origin: germline.
Comment: This sequence change replaces proline, which is neutral and non-polar, with serine, which is neutral and polar, at codon 633 of the CFH protein (p.Pro633Ser). In summary, the available evidence is currently insufficient to determine the role of this variant in disease. Therefore, it has been classified as a Variant of Uncertain Significance. Algorithms developed to predict the effect of missense changes on protein structure and function are either unavailable or do not agree on the potential impact of this missense change (SIFT: "Tolerated"; PolyPhen-2: "Probably Damaging"; Align-GVGD: "Class C0"). This variant has not been reported in the literature in individuals affected with CFH-related conditions. This variant is present in population databases (rs765420546, gnomAD 0.003%).